The following is an entry in ClinVar:

NM_001458.5(FLNC):c.6361+5G>A

Genes: FLNC-AS1 (FLNC antisense RNA 1; minus strand), FLNC (filamin C; plus strand). Cytogenetic location: 7q32.1.
Variant type: single nucleotide variant.
Coding change: c.6361+5G>A on transcript NM_001458.5 (MANE Select); 5 bases into the intron after coding-DNA position 6361, G replaced by A.
Molecular consequence: intron variant.
Genome position (GRCh38, 1-based): chr7:128,853,626, G>A. VCF-style: chr7-128853626-G-A. GRCh37 (hg19) VCF-style: chr7-128493680-G-A.
Other names: c.6262+5G>A (NM_001127487.2).
Identifiers: ClinVar variation 999612 (VCV000999612.6), dbSNP rs1808919247, ClinGen allele CA1742577638.

ClinVar aggregate classification (germline): Uncertain significance. Review status: criteria provided, multiple submitters, no conflicts (2 of 4 stars). 2 submissions from 2 submitters: Uncertain significance (2). Last evaluated 2025-06-17.

Conditions:
Myofibrillar myopathy 5. Also called: Filaminopathy (type); FILAMINOPATHY, AUTOSOMAL DOMINANT. Identifiers: Orphanet 171445, MedGen C1836050, MONDO:0012289, OMIM 609524.
Distal myopathy with posterior leg and anterior hand involvement. Also called: WILLIAMS DISTAL MYOPATHY. Identifiers: Orphanet 63273, MedGen C3279722, MONDO:0013550, OMIM 614065.
Hypertrophic cardiomyopathy 26. Also called: Cardiomyopathy, familial hypertrophic, 26. Identifiers: Orphanet 75249, MedGen C4310749, MONDO:0014883, OMIM 617047.
Dilated Cardiomyopathy, Dominant.
Cardiovascular phenotype. Identifiers: MedGen CN230736.

Allele frequency attached by ClinVar (database versions not stated): gnomAD exomes below 0.00001.
gnomAD v4.1: 1 of 1,614,136 alleles (0.000062%); highest among the groups gnomAD compares: Non-Finnish European, 0.000085%; no homozygotes.

Submissions (2):

Ambry Genetics
Classification: Uncertain significance for Cardiovascular phenotype. Last evaluated: 2025-06-17. Review status: criteria provided, single submitter. Criteria: Ambry Variant Classification Scheme 2023. Collection method: clinical testing. Allele origin: germline.
Comment: The c.6361+5G>A intronic variant results from a G to A substitution 5 nucleotides after coding exon 38 in the FLNC gene. This nucleotide position is well conserved in available vertebrate species. In silico splice site analysis for this alteration is inconclusive. Based on the available evidence, the clinical significance of this variant remains unclear.

Labcorp Genetics (formerly Invitae), Labcorp
Classification: Uncertain significance for Distal myopathy with posterior leg and anterior hand involvement; Myofibrillar myopathy 5; Hypertrophic cardiomyopathy 26. Last evaluated: 2022-08-27. Review status: criteria provided, single submitter. Criteria: Invitae Variant Classification Sherloc (09022015). Collection method: clinical testing. Allele origin: germline.
Comment: In summary, the available evidence is currently insufficient to determine the role of this variant in disease. Therefore, it has been classified as a Variant of Uncertain Significance. Variants that disrupt the consensus splice site are a relatively common cause of aberrant splicing (PMID: 17576681, 9536098). Algorithms developed to predict the effect of sequence changes on RNA splicing suggest that this variant is not likely to affect RNA splicing. ClinVar contains an entry for this variant (Variation ID: 999612). This variant has not been reported in the literature in individuals affected with FLNC-related conditions. This variant is not present in population databases (gnomAD no frequency). This sequence change falls in intron 38 of the FLNC gene. It does not directly change the encoded amino acid sequence of the FLNC protein. It affects a nucleotide within the consensus splice site.

Literature cited by the submitters: PubMed 17576681 (cited by Labcorp Genetics (formerly Invitae), Labcorp); PubMed 9536098 (cited by Labcorp Genetics (formerly Invitae), Labcorp).